The following is an entry in ClinVar:

NM_007294.4(BRCA1):c.5193+13T>G

Gene: BRCA1 (BRCA1 DNA repair associated; minus strand). Cytogenetic location: 17q21.31.
Variant type: single nucleotide variant.
Coding change: c.5193+13T>G on transcript NM_007294.4 (MANE Select); 13 bases into the intron after coding-DNA position 5193, T replaced by G.
Molecular consequence: intron variant.
Genome position (GRCh38, 1-based): chr17:43,063,320, A>C on the plus strand (T>G on the coding strand, the complement: BRCA1 is on the minus strand). VCF-style: chr17-43063320-A-C. GRCh37 (hg19) VCF-style: chr17-41215337-A-C.
Other names: c.1671+13T>G (NM_001408489.1, NM_001408482.1, NM_001408484.1 and 5 more transcripts); c.1674+13T>G (NM_001408479.1, NM_001408478.1, NM_001408480.1); c.4980+13T>G (NM_001407910.1, NM_001407904.1, NM_001407896.1 and 12 more transcripts); c.4983+13T>G (NM_001407884.1, NM_001407879.1, NM_001407882.1 and 5 more transcripts); c.5181+13T>G (NM_001407646.1); c.1755+13T>G (NM_001408445.1, NM_001408450.1, NM_001408447.1 and 2 more transcripts); c.1758+13T>G (NM_001408432.1, NM_001408443.1, NM_001408439.1 and 10 more transcripts); c.5064+13T>G (NM_001407689.1, NM_001407681.1, NM_001407687.1 and 6 more transcripts); and 72 more.
Identifiers: ClinVar variation 868139 (VCV000868139.3), dbSNP rs273901750, ClinGen allele CA916080015.

Conditions:
Breast-ovarian cancer, familial, susceptibility to, 1 (BROVCA1). Also called: BRCA1 Hereditary Breast and Ovarian Cancer; OVARIAN CANCER, SUSCEPTIBILITY TO. Identifiers: Orphanet 145, MedGen C2676676, MONDO:0011450, OMIM 604370. Disease mechanism: loss of function.

Submission:

Brotman Baty Institute, University of Washington
No classification provided (evidence only). Condition: Breast-ovarian cancer, familial 1. Review status: no classification provided. Collection method: in vitro. Allele origin: not applicable. Functional consequence: functionally_normal.
ClinVar note: "not provided" was previously submitted as the classification for the variant. However, the classification appeared to be based only on an observation of functional data so it was converted to no classification on 2025-07-30.